The following is an entry in ClinVar:

ClinVar aggregate classification (germline): Uncertain significance (1 of 4 stars; one submission).

Conditions:
Severe myoclonic epilepsy in infancy (DRVT). Also called: Epileptic encephalopathy, early infantile, 6 (Dravet syndrome); DEVELOPMENTAL AND EPILEPTIC ENCEPHALOPATHY 6A; Severe Myoclonic Epilepsy in Infancy (SMEI); Dravet syndrome; SEVERE MYOCLONIC EPILEPSY OF INFANCY. Identifiers: Orphanet 33069, MedGen C0751122, MONDO:0100135, OMIM 607208.

Allele frequency attached by ClinVar (database versions not stated): ExAC 0.00001; gnomAD exomes 0.00001; gnomAD 0.00002; TOPMed 0.00002.
gnomAD v4.1: 30 of 1,596,734 alleles (0.0019%); highest among the groups gnomAD compares: Non-Finnish European, 0.0022%; no homozygotes.

Submission:

Labcorp Genetics (formerly Invitae), Labcorp
Classification: Uncertain significance for Severe myoclonic epilepsy in infancy. Last evaluated: 2024-02-23. Review status: criteria provided, single submitter. Criteria: Invitae Variant Classification Sherloc (09022015). Collection method: clinical testing. Allele origin: germline.
Comment: This sequence change replaces alanine, which is neutral and non-polar, with threonine, which is neutral and polar, at codon 305 of the SNX27 protein (p.Ala305Thr). The frequency data for this variant in the population databases is considered unreliable, as metrics indicate poor data quality at this position in the gnomAD database. This variant has not been reported in the literature in individuals affected with SNX27-related conditions. ClinVar contains an entry for this variant (Variation ID: 579579). An algorithm developed to predict the effect of missense changes on protein structure and function (PolyPhen-2) suggests that this variant is likely to be tolerated. In summary, the available evidence is currently insufficient to determine the role of this variant in disease. Therefore, it has been classified as a Variant of Uncertain Significance.

NM_001330723.2(SNX27):c.913G>A (p.Ala305Thr)

Gene: SNX27 (sorting nexin 27; plus strand). Cytogenetic location: 1q21.3.
Variant type: single nucleotide variant.
Coding change: c.913G>A on transcript NM_001330723.2 (MANE Select); coding-DNA position 913, G replaced by A.
Protein change: p.Ala305Thr; replaces alanine 305 with threonine.
Molecular consequence: missense variant.
Genome position (GRCh38, 1-based): chr1:151,665,939, G>A. VCF-style: chr1-151665939-G-A. GRCh37 (hg19) VCF-style: chr1-151638415-G-A.
Other names: c.913G>A, p.Ala305Thr (NM_030918.6); short protein forms A305T.
Identifiers: ClinVar variation 579579 (VCV000579579.11), dbSNP rs778236794, ClinGen allele CA1093543.